The following is an entry in ClinVar:

ClinVar aggregate classification (germline): Uncertain significance. Review status: criteria provided, multiple submitters, no conflicts (2 of 4 stars). 2 submissions from 2 submitters: Uncertain significance (2). Last evaluated 2025-02-08.

Allele frequency attached by ClinVar (database versions not stated): 1000 Genomes Project 30x 0.00016; gnomAD exomes 0.00028; 1000 Genomes Project 0.00020; TOPMed 0.00009; ExAC 0.00012; ESP Exome Variant Server 0.00008; gnomAD 0.00011.
gnomAD v4.1: 414 of 1,614,236 alleles (0.026%); highest among the groups gnomAD compares: Non-Finnish European, 0.034%; no homozygotes.

Submissions (2):

Labcorp Genetics (formerly Invitae), Labcorp
Classification: Uncertain significance. Last evaluated: 2025-02-08. Review status: criteria provided, single submitter. Criteria: Invitae Variant Classification Sherloc (09022015). Collection method: clinical testing. Allele origin: germline.
Comment: This sequence change replaces asparagine, which is neutral and polar, with serine, which is neutral and polar, at codon 2375 of the IGSF10 protein (p.Asn2375Ser). This variant is present in population databases (rs141886027, gnomAD 0.03%). This missense change has been observed in individual(s) with delayed puberty (PMID: 34403359). ClinVar contains an entry for this variant (Variation ID: 2389791). An algorithm developed to predict the effect of missense changes on protein structure and function (PolyPhen-2) suggests that this variant is likely to be disruptive. In summary, the available evidence is currently insufficient to determine the role of this variant in disease. Therefore, it has been classified as a Variant of Uncertain Significance.

Ambry Genetics
Classification: Uncertain significance. Last evaluated: 2021-10-18. Review status: criteria provided, single submitter. Criteria: Ambry Variant Classification Scheme 2023. Collection method: clinical testing. Allele origin: germline.

Literature cited by the submitters: PubMed 34403359 (cited by Labcorp Genetics (formerly Invitae), Labcorp).

NM_178822.5(IGSF10):c.7124A>G (p.Asn2375Ser)

Gene: IGSF10 (immunoglobulin superfamily member 10; minus strand). Cytogenetic location: 3q25.1.
Variant type: single nucleotide variant.
Coding change: c.7124A>G on transcript NM_178822.5 (MANE Select); coding-DNA position 7124, A replaced by G.
Protein change: p.Asn2375Ser; replaces asparagine 2375 with serine.
Molecular consequence: missense variant.
Genome position (GRCh38, 1-based): chr3:151,437,437, T>C on the plus strand (A>G on the coding strand, the complement: IGSF10 is on the minus strand). VCF-style: chr3-151437437-T-C. GRCh37 (hg19) VCF-style: chr3-151155225-T-C.
Other names: c.1061A>G, p.Asn354Ser (NM_001178145.3, NM_001178146.3); c.7124A>G, p.Asn2375Ser (NM_001385060.1, NM_001385061.1, NM_001385062.1 and 1 more transcripts); short protein forms N354S, N2375S.
Identifiers: ClinVar variation 2389791 (VCV002389791.4), dbSNP rs141886027, ClinGen allele CA2669369.